The following is an entry in ClinVar:

NM_002519.3(NPAT):c.1484C>T (p.Pro495Leu)

Gene: NPAT (nuclear protein, coactivator of histone transcription; minus strand). Cytogenetic location: 11q22.3.
Variant type: single nucleotide variant.
Coding change: c.1484C>T on transcript NM_002519.3 (MANE Select); coding-DNA position 1484, C replaced by T.
Protein change: p.Pro495Leu; replaces proline 495 with leucine.
Molecular consequence: missense variant.
Genome position (GRCh38, 1-based): chr11:108,173,500, G>A on the plus strand (C>T on the coding strand, the complement: NPAT is on the minus strand). VCF-style: chr11-108173500-G-A. GRCh37 (hg19) VCF-style: chr11-108044227-G-A.
Other names: c.1484C>T, p.Pro495Leu (NM_001321307.1); short protein forms P495L.
Identifiers: ClinVar variation 2917585 (VCV002917585.3), dbSNP rs533844844, ClinGen allele CA6263987.

ClinVar aggregate classification (germline): Uncertain significance (1 of 4 stars; one submission).

Allele frequency attached by ClinVar (database versions not stated): 1000 Genomes Project 0.00020; 1000 Genomes Project 30x 0.00016; TOPMed 0.00019.
gnomAD v4.1: 65 of 1,614,024 alleles (0.004%); highest among the groups gnomAD compares: African/African-American, 0.037%; no homozygotes.

Submission:

Labcorp Genetics (formerly Invitae), Labcorp
Classification: Uncertain significance. Last evaluated: 2025-12-30. Review status: criteria provided, single submitter. Criteria: Invitae Variant Classification Sherloc (09022015). Collection method: clinical testing. Allele origin: germline.
Comment: This sequence change replaces proline, which is neutral and non-polar, with leucine, which is neutral and non-polar, at codon 495 of the NPAT protein (p.Pro495Leu). This variant is present in population databases (rs533844844, gnomAD 0.04%). This variant has not been reported in the literature in individuals affected with NPAT-related conditions. ClinVar contains an entry for this variant (Variation ID: 2917585). An algorithm developed to predict the effect of missense changes on protein structure and function outputs the following: PolyPhen-2: "Benign". The leucine amino acid residue is found in multiple mammalian species, which suggests that this missense change does not adversely affect protein function. In summary, the available evidence is currently insufficient to determine the role of this variant in disease. Therefore, it has been classified as a Variant of Uncertain Significance.